The following is an entry in ClinVar:

ClinVar aggregate classification (germline): Conflicting classifications of pathogenicity. Review status: criteria provided, conflicting classifications (1 of 4 stars). 2 submissions from 2 submitters: Uncertain significance (1); Likely benign (1). Last evaluated 2026-01-11.

Conditions:
Lowe syndrome (OCRL). Also called: LOWE OCULOCEREBRORENAL SYNDROME; PHOSPHATIDYLINOSITOL 4,5-BISPHOSPHATE 5-PHOSPHATASE DEFICIENCY; Oculocerebrorenal Syndrome. Identifiers: Orphanet 534, MedGen C0028860, MONDO:0010645, OMIM 309000.

Allele frequency attached by ClinVar (database versions not stated): gnomAD exomes below 0.00001; ExAC 0.00001.
gnomAD v4.1: 3 of 1,125,428 alleles (0.00027%); highest among the groups gnomAD compares: Non-Finnish European, 0.00024%; no homozygotes.

Submissions (2):

Labcorp Genetics (formerly Invitae), Labcorp
Classification: Likely benign for Lowe syndrome. Last evaluated: 2026-01-11. Review status: criteria provided, single submitter. Criteria: Invitae Variant Classification Sherloc (09022015). Collection method: clinical testing. Allele origin: germline.

3billion
Classification: Uncertain significance for Lowe syndrome. Last evaluated: 2023-08-26. Review status: criteria provided, single submitter. Criteria: ACMG Guidelines, 2015. Collection method: clinical testing. Allele origin: germline. Affected: yes.
Comment: The variant is observed at an extremely low frequency in the gnomAD v2.1.1 dataset (total allele frequency: 0.001%). Predicted Consequence/Location: Intron variant In silico tools predict the variant to alter splicing and produce an abnormal transcript [SpliceAI: 0.45 (>=0.2, moderate evidence for spliceogenicity)]. Intronic variant predicted in silico to alter splicing and result in a premature termination. However, functional studies should be performed to observe the exact consequence. Therefore, this variant is classified as VUS according to the recommendation of ACMG/AMP guideline.

NM_000276.4(OCRL):c.1245-20T>G

Gene: OCRL (OCRL inositol polyphosphate-5-phosphatase; plus strand). Cytogenetic location: Xq26.1.
Variant type: single nucleotide variant.
Coding change: c.1245-20T>G on transcript NM_000276.4 (MANE Select); 20 bases into the intron before coding-DNA position 1245, T replaced by G.
Molecular consequence: intron variant.
Genome position (GRCh38, 1-based): chrX:129,565,752, T>G. VCF-style: chrX-129565752-T-G. GRCh37 (hg19) VCF-style: chrX-128699729-T-G.
Other names: c.1248-20T>G (NM_001318784.2); c.1245-20T>G (NM_001587.4).
Identifiers: ClinVar variation 2972783 (VCV002972783.4), dbSNP rs750377065, ClinGen allele CA10512155.